The following is an entry in ClinVar:

ClinVar aggregate classification (germline): Likely benign. Review status: criteria provided, multiple submitters, no conflicts (2 of 4 stars). 4 submissions from 4 submitters: Likely benign (4). Last evaluated 2025-10-13.

Conditions:
Hypokalemic periodic paralysis, type 1. Also called: Hypokalemic Periodic Paralysis Type 1 (AD); HypoPP. Identifiers: Orphanet 681, MedGen C3714580, MONDO:0042979, OMIM 170400.
Malignant hyperthermia, susceptibility to, 5 (MHS5). Also called: CACNA1S-Related Malignant Hyperthermia Susceptibility. Identifiers: Orphanet 423, MedGen C1866077, MONDO:0011163, OMIM 601887.

Allele frequency attached by ClinVar (database versions not stated): gnomAD 0.00006; ESP Exome Variant Server 0.00008; 1000 Genomes Project 0.00020; 1000 Genomes Project 30x 0.00031.
gnomAD v4.1: 63 of 1,614,266 alleles (0.0039%); highest among the groups gnomAD compares: African/African-American, 0.016%; no homozygotes.

Submissions (4):

Labcorp Genetics (formerly Invitae), Labcorp
Classification: Likely benign for Hypokalemic periodic paralysis, type 1; Malignant hyperthermia, susceptibility to, 5. Last evaluated: 2025-10-13. Review status: criteria provided, single submitter. Criteria: Invitae Variant Classification Sherloc (09022015). Collection method: clinical testing. Allele origin: germline.

Blueprint Genetics
Classification: Likely benign. Last evaluated: 2024-05-02. Review status: criteria provided, single submitter. Criteria: ACMG Guidelines, 2015. Collection method: clinical testing. Allele origin: germline.

All of Us Research Program, National Institutes of Health
Classification: Likely benign for Malignant hyperthermia, susceptibility to, 5. Last evaluated: 2023-08-15. Review status: criteria provided, single submitter. Criteria: ACMG Guidelines, 2015. Collection method: clinical testing. Allele origin: germline. Inheritance: Autosomal dominant inheritance. Observed: 2 variant alleles, 2 heterozygotes.
Comment: This study involves interpretation of variants in research participants for the purpose of population health screening. Participant phenotype was not available at the time of variant classification. Additional details can be found in publication PMID: 35346344, PMCID: PMC8962531

Color Diagnostics, LLC DBA Color Health
Classification: Likely benign for Malignant hyperthermia, susceptibility to, 5. Last evaluated: 2022-11-06. Review status: criteria provided, single submitter. Criteria: ACMG Guidelines, 2015. Collection method: clinical testing. Allele origin: germline.

NM_000069.3(CACNA1S):c.834C>T (p.Phe278=)

Gene: CACNA1S (calcium voltage-gated channel subunit alpha1 S; minus strand). Cytogenetic location: 1q32.1.
Variant type: single nucleotide variant.
Coding change: c.834C>T on transcript NM_000069.3 (MANE Select); coding-DNA position 834, C replaced by T.
Protein change: p.Phe278=; no amino-acid change (phenylalanine 278 retained).
Molecular consequence: synonymous variant.
Genome position (GRCh38, 1-based): chr1:201,089,324, G>A on the plus strand (C>T on the coding strand, the complement: CACNA1S is on the minus strand). VCF-style: chr1-201089324-G-A. GRCh37 (hg19) VCF-style: chr1-201058452-G-A.
Identifiers: ClinVar variation 1109477 (VCV001109477.12), dbSNP rs148625301, ClinGen allele CA084012.
Genomic context (GRCh38, chr1:201,089,324, plus strand): 5'-AAGGACGTCAGTCCATCCCTCCATGGTAATGCACTGGTACACGGTGAGCATGGAGAAGCC[G>A]AAGTTGTCGAAGTGGGTGATGCCATGGTTGGGCCCTGGCCAGCCGCCCCGGCACTCACTG-3'
Protein context (NP_000060.2, residues 268-288): PNHGITHFDN[Phe278=]GFSMLTVYQC